The following is an entry in ClinVar:

NM_000186.4(CFH):c.2866A>G (p.Thr956Ala)

Gene: CFH (complement factor H; plus strand). Cytogenetic location: 1q31.3.
Variant type: single nucleotide variant.
Coding change: c.2866A>G on transcript NM_000186.4 (MANE Select); coding-DNA position 2866, A replaced by G.
Protein change: p.Thr956Ala; replaces threonine 956 with alanine.
Molecular consequence: missense variant.
Genome position (GRCh38, 1-based): chr1:196,740,702, A>G. VCF-style: chr1-196740702-A-G. GRCh37 (hg19) VCF-style: chr1-196709832-A-G.
Other names: c.2866A>G (NM_000186.3); short protein forms T956A.
Identifiers: ClinVar variation 1371361 (VCV001371361.7), dbSNP rs2149115102, ClinGen allele CA343981112.
Genomic context (GRCh38, chr1:196,740,702, plus strand): 5'-GAGATTTCTCATGGTGTTGTAGCTCACATGTCAGACAGTTATCAGTATGGAGAAGAAGTT[A>G]CGTACAAATGTTTTGAAGGTTTTGGAATTGATGGGCCTGCAATTGCAAAATGCTTAGGAG-3'
Protein context (NP_000177.2, residues 946-966): SDSYQYGEEV[Thr956Ala]YKCFEGFGID

ClinVar aggregate classification (germline): Uncertain significance. Review status: criteria provided, multiple submitters, no conflicts (2 of 4 stars). 2 submissions from 2 submitters: Uncertain significance (2). Last evaluated 2025-05-16.

Conditions:
Inborn genetic diseases. Identifiers: MedGen C0950123, MeSH D030342.

gnomAD v4.1: 3 of 1,614,026 alleles (0.00019%); no homozygotes.

Submissions (2):

Ambry Genetics
Classification: Uncertain significance for Inborn genetic diseases. Last evaluated: 2025-05-16. Review status: criteria provided, single submitter. Criteria: Ambry Variant Classification Scheme 2023. Collection method: clinical testing. Allele origin: germline.

Labcorp Genetics (formerly Invitae), Labcorp
Classification: Uncertain significance. Last evaluated: 2023-01-06. Review status: criteria provided, single submitter. Criteria: Invitae Variant Classification Sherloc (09022015). Collection method: clinical testing. Allele origin: germline.
Comment: In summary, the available evidence is currently insufficient to determine the role of this variant in disease. Therefore, it has been classified as a Variant of Uncertain Significance. Algorithms developed to predict the effect of missense changes on protein structure and function output the following: SIFT: "Tolerated"; PolyPhen-2: "Benign"; Align-GVGD: "Class C0". The alanine amino acid residue is found in multiple mammalian species, which suggests that this missense change does not adversely affect protein function. ClinVar contains an entry for this variant (Variation ID: 1371361). This variant has not been reported in the literature in individuals affected with CFH-related conditions. This variant is not present in population databases (gnomAD no frequency). This sequence change replaces threonine, which is neutral and polar, with alanine, which is neutral and non-polar, at codon 956 of the CFH protein (p.Thr956Ala).